The following is an entry in ClinVar:

ClinVar aggregate classification (germline): Uncertain significance (1 of 4 stars; one submission).

Conditions:
Long QT syndrome (LQTS). Identifiers: MedGen C0023976, MeSH D008133, MONDO:0002442. Disease mechanism: loss of function. Inheritance: Various modes of inheritance.

Submission:

Labcorp Genetics (formerly Invitae), Labcorp
Classification: Uncertain significance for Long QT syndrome. Last evaluated: 2024-10-22. Review status: criteria provided, single submitter. Criteria: Invitae Variant Classification Sherloc (09022015). Collection method: clinical testing. Allele origin: germline.
Comment: This sequence change replaces valine, which is neutral and non-polar, with leucine, which is neutral and non-polar, at codon 194 of the KCNH2 protein (p.Val194Leu). This variant is not present in population databases (gnomAD no frequency). This variant has not been reported in the literature in individuals affected with KCNH2-related conditions. An algorithm developed to predict the effect of missense changes on protein structure and function (PolyPhen-2) suggests that this variant is likely to be tolerated. In summary, the available evidence is currently insufficient to determine the role of this variant in disease. Therefore, it has been classified as a Variant of Uncertain Significance.

NM_000238.4(KCNH2):c.580G>T (p.Val194Leu)

Gene: KCNH2 (potassium voltage-gated channel subfamily H member 2; minus strand). Cytogenetic location: 7q36.1.
Variant type: single nucleotide variant.
Coding change: c.580G>T on transcript NM_000238.4 (MANE Select); coding-DNA position 580, G replaced by T.
Protein change: p.Val194Leu; replaces valine 194 with leucine.
Molecular consequence: missense variant. On other transcripts: non-coding transcript variant (1).
Genome position (GRCh38, 1-based): chr7:150,958,395, C>A on the plus strand (G>T on the coding strand, the complement: KCNH2 is on the minus strand). VCF-style: chr7-150958395-C-A. GRCh37 (hg19) VCF-style: chr7-150655483-C-A.
Other names: c.292G>T, p.Val98Leu (NM_001406753.1, NM_001406756.1); c.403G>T, p.Val135Leu (NM_001406755.1); c.280G>T, p.Val94Leu (NM_001406757.1); c.580G>T, p.Val194Leu (NM_172056.3); short protein forms V94L, V135L, V194L, V98L.
Identifiers: ClinVar variation 2711166 (VCV002711166.3), dbSNP rs1293129095, ClinGen allele CA369863232.